The following is an entry in ClinVar:

NM_001244008.2(KIF1A):c.482A>T (p.Lys161Met)

Gene: KIF1A (kinesin family member 1A; minus strand). Cytogenetic location: 2q37.3.
Variant type: single nucleotide variant.
Coding change: c.482A>T on transcript NM_001244008.2 (MANE Select); coding-DNA position 482, A replaced by T.
Protein change: p.Lys161Met; replaces lysine 161 with methionine.
Molecular consequence: missense variant.
Genome position (GRCh38, 1-based): chr2:240,786,461, T>A on the plus strand (A>T on the coding strand, the complement: KIF1A is on the minus strand). VCF-style: chr2-240786461-T-A. GRCh37 (hg19) VCF-style: chr2-241725878-T-A.
Other names: c.482A>T, p.Lys161Met (NM_001320705.2, NM_001330289.2, NM_001330290.2 and 20 more transcripts); short protein forms K161M.
Identifiers: ClinVar variation 1032198 (VCV001032198.6), dbSNP rs1011045689, ClinGen allele CA68141121.
Genomic context (GRCh38, chr2:240,786,461, plus strand): 5'-AGGTCCTCCACGTAGGGCCCCAGCAGTGGGTGCTCCCTCACGCGAAGGTTGCCCTTGTTC[T>A]TGGGGTTCAGGAGGTCACGGACGCGCTCACAGTAAATCTCCATGTAGCTGACCTGCAGGG-3'
Protein context (NP_001230937.1, residues 151-171): CERVRDLLNP[Lys161Met]NKGNLRVREH

ClinVar aggregate classification (germline): Uncertain significance. Review status: criteria provided, multiple submitters, no conflicts (2 of 4 stars). 2 submissions from 2 submitters: Uncertain significance (2). Last evaluated 2025-07-15.

Conditions:
Neuropathy, hereditary sensory, type 2C. Also called: Hereditary sensory and autonomic neuropathy type IIC; KIF1A-Related HSAN2 (HSAN2C). Identifiers: Orphanet 970, MedGen C3280168, MONDO:0013634, OMIM 614213.
Intellectual disability, autosomal dominant 9 (NESCAVS). Also called: KIF1A-Related Neurodevelopmental Disorder; NESCAV SYNDROME. Identifiers: Orphanet 662367, MedGen C5393830, MONDO:0013656, OMIM 614255.
Hereditary spastic paraplegia 30. Identifiers: Orphanet 101010, MedGen C5235139, MONDO:0012476.

Allele frequency attached by ClinVar (database versions not stated): gnomAD exomes 0.00001; gnomAD 0.00002; TOPMed 0.00002.
gnomAD v4.1: 18 of 1,613,488 alleles (0.0011%); highest among the groups gnomAD compares: Non-Finnish European, 0.0014%; no homozygotes.

Submissions (2):

Labcorp Genetics (formerly Invitae), Labcorp
Classification: Uncertain significance for Hereditary spastic paraplegia 30; Neuropathy, hereditary sensory, type 2C; Intellectual disability, autosomal dominant 9. Last evaluated: 2025-07-15. Review status: criteria provided, single submitter. Criteria: Invitae Variant Classification Sherloc (09022015). Collection method: clinical testing. Allele origin: germline.
Comment: This sequence change replaces lysine, which is basic and polar, with methionine, which is neutral and non-polar, at codon 161 of the KIF1A protein (p.Lys161Met). This variant is not present in population databases (gnomAD no frequency). This variant has not been reported in the literature in individuals affected with KIF1A-related conditions. ClinVar contains an entry for this variant (Variation ID: 1032198). Invitae Evidence Modeling of protein sequence and biophysical properties (such as structural, functional, and spatial information, amino acid conservation, physicochemical variation, residue mobility, and thermodynamic stability) indicates that this missense variant is expected to disrupt KIF1A protein function with a positive predictive value of 95%. In summary, the available evidence is currently insufficient to determine the role of this variant in disease. Therefore, it has been classified as a Variant of Uncertain Significance.

Baylor Genetics
Classification: Uncertain significance for Intellectual disability, autosomal dominant 9. Last evaluated: 2018-12-19. Review status: criteria provided, single submitter. Criteria: ACMG Guidelines, 2015. Collection method: clinical testing. Allele origin: paternal. Affected: yes.
Comment: This variant was determined to be of uncertain significance according to ACMG Guidelines, 2015 [PMID:25741868].